The following is an entry in ClinVar:

NM_020320.5(RARS2):c.323A>G (p.Asp108Gly)

Gene: RARS2 (arginyl-tRNA synthetase 2, mitochondrial; minus strand). Cytogenetic location: 6q15.
Variant type: single nucleotide variant.
Coding change: c.323A>G on transcript NM_020320.5 (MANE Select); coding-DNA position 323, A replaced by G.
Protein change: p.Asp108Gly; replaces aspartic acid 108 with glycine.
Molecular consequence: missense variant. On other transcripts: 5 prime UTR variant (7), non-coding transcript variant (23).
Genome position (GRCh38, 1-based): chr6:87,555,480, T>C on the plus strand (A>G on the coding strand, the complement: RARS2 is on the minus strand). VCF-style: chr6-87555480-T-C. GRCh37 (hg19) VCF-style: chr6-88265198-T-C.
Other names: NC_000006.11:g.88265198T>C; c.-147A>G (NM_001318785.2, NM_001350509.2); c.323A>G, p.Asp108Gly (NM_001350505.2); c.-203A>G (NM_001350506.2, NM_001350507.2, NM_001350510.2 and 1 more transcripts); c.-365A>G (NM_001350508.2); short protein forms D108G.
Identifiers: ClinVar variation 1304902 (VCV001304902.33), dbSNP rs750490956, ClinGen allele CA3916682.

ClinVar aggregate classification (germline): Uncertain significance. Review status: criteria provided, multiple submitters, no conflicts (2 of 4 stars). 3 submissions from 3 submitters: Uncertain significance (3). Last evaluated 2024-07-24.

Allele frequency attached by ClinVar (database versions not stated): gnomAD 0.00005; TOPMed 0.00006; gnomAD exomes 0.00009 and 0.00011; ExAC 0.00015.
gnomAD v4.1: 180 of 1,613,442 alleles (0.011%); highest among the groups gnomAD compares: Non-Finnish European, 0.014%; no homozygotes.

Submissions (4):

Blueprint Genetics
Classification: Uncertain significance. Last evaluated: 2024-07-24. Review status: criteria provided, single submitter. Criteria: ACMG Guidelines, 2015. Collection method: clinical testing. Allele origin: germline.

CeGaT Center for Human Genetics Tuebingen
Classification: Uncertain significance. Last evaluated: 2022-10-01. Review status: criteria provided, single submitter. Criteria: CeGaT Center For Human Genetics Tuebingen Variant Classification Criteria Version 2. Collection method: clinical testing. Allele origin: germline. Affected: yes. Observed: 1 variant allele.
Comment: RARS2: PM2:Supporting

GeneDx
Classification: Uncertain significance. Last evaluated: 2021-10-26. Review status: criteria provided, single submitter. Criteria: GeneDx Variant Classification Process June 2021. Collection method: clinical testing. Allele origin: germline. Affected: yes.
Comment: Has not been previously published as pathogenic or benign to our knowledge; In silico analysis supports that this missense variant does not alter protein structure/function

Dr. Peter K. Rogan Lab, Western University
No classification provided (evidence only). Condition: Cholangiocarcinoma. Review status: no classification provided. Collection method: in vitro. Allele origin: not applicable. Functional consequence: retained intron. Not counted in ClinVar's aggregate classification.